The following is an entry in ClinVar:

ClinVar aggregate classification (germline): Uncertain significance (1 of 4 stars; one submission).

Conditions:
Intellectual disability-facial dysmorphism syndrome due to SETD5 haploinsufficiency (MRD23). Also called: Intellectual developmental disorder, autosomal dominant 23. Identifiers: Orphanet 404440, MedGen C3810406, MONDO:0014336, OMIM 615761.

Allele frequency attached by ClinVar (database versions not stated): gnomAD exomes below 0.00001; TOPMed below 0.00001.
gnomAD v4.1: 1 of 1,613,686 alleles (0.000062%); highest among the groups gnomAD compares: Non-Finnish European, 0.000085%; no homozygotes.

Submission:

Baylor Genetics
Classification: Uncertain significance for Intellectual disability-facial dysmorphism syndrome due to SETD5 haploinsufficiency. Last evaluated: 2019-06-28. Review status: criteria provided, single submitter. Criteria: ACMG Guidelines, 2015. Collection method: clinical testing. Allele origin: unknown. Affected: yes.
Comment: This variant was determined to be of uncertain significance according to ACMG Guidelines, 2015 [PMID:25741868].

NM_001080517.3(SETD5):c.2519T>A (p.Met840Lys)

Gene: SETD5 (SET domain containing 5; plus strand). Cytogenetic location: 3p25.3.
Variant type: single nucleotide variant.
Coding change: c.2519T>A on transcript NM_001080517.3 (MANE Select); coding-DNA position 2519, T replaced by A.
Protein change: p.Met840Lys; replaces methionine 840 with lysine.
Molecular consequence: missense variant.
Genome position (GRCh38, 1-based): chr3:9,464,467, T>A. VCF-style: chr3-9464467-T-A. GRCh37 (hg19) VCF-style: chr3-9506151-T-A.
Other names: c.2225T>A, p.Met742Lys (NM_001292043.2, NM_001349451.2); short protein forms M840K, M742K.
Identifiers: ClinVar variation 1028533 (VCV001028533.1), dbSNP rs2044328286, ClinGen allele CA351707538.